The following is an entry in ClinVar:

NM_199135.4(FOXD4L3):c.678C>T (p.Ala226=)

Gene: FOXD4L3 (forkhead box D4 like 3; plus strand). Cytogenetic location: 9q21.11.
Variant type: single nucleotide variant.
Coding change: c.678C>T on transcript NM_199135.4 (MANE Select); coding-DNA position 678, C replaced by T.
Protein change: p.Ala226=; no amino-acid change (alanine 226 retained).
Molecular consequence: synonymous variant.
Genome position (GRCh38, 1-based): chr9:68,303,629, C>T. VCF-style: chr9-68303629-C-T. GRCh37 (hg19) VCF-style: chr9-70918545-C-T.
Identifiers: ClinVar variation 3770896 (VCV003770896.13).

ClinVar aggregate classification (germline): Likely benign (1 of 4 stars; one submission).

Submission:

CeGaT Center for Human Genetics Tuebingen
Classification: Likely benign. Last evaluated: 2024-12-01. Review status: criteria provided, single submitter. Criteria: CeGaT Center For Human Genetics Tuebingen Variant Classification Criteria Version 2. Collection method: clinical testing. Allele origin: germline. Affected: yes. Observed: 1 variant allele.
Comment: FOXD4L3: BP4, BP7